The following is an entry in ClinVar:

NM_014283.5(SUCO):c.1648C>G (p.Pro550Ala)

Gene: SUCO (SUN domain containing ossification factor; plus strand). Cytogenetic location: 1q24.3.
Variant type: single nucleotide variant.
Coding change: c.1648C>G on transcript NM_014283.5 (MANE Select); coding-DNA position 1648, C replaced by G.
Protein change: p.Pro550Ala; replaces proline 550 with alanine.
Molecular consequence: missense variant. On other transcripts: intron variant (1).
Genome position (GRCh38, 1-based): chr1:172,585,938, C>G. VCF-style: chr1-172585938-C-G. GRCh37 (hg19) VCF-style: chr1-172555078-C-G.
Other names: c.1648C>G (NM_014283.3); c.1537C>G, p.Pro513Ala (NM_001282750.2); c.2101C>G, p.Pro701Ala (NM_016227.4); c.-31-2822C>G (NM_001282751.2); short protein forms P550A, P513A, P701A.
Identifiers: ClinVar variation 2047751 (VCV002047751.6), dbSNP rs780542936, ClinGen allele CA1246928.

ClinVar aggregate classification (germline): Uncertain significance. Review status: criteria provided, multiple submitters, no conflicts (2 of 4 stars). 2 submissions from 2 submitters: Uncertain significance (2). Last evaluated 2023-01-10.

Allele frequency attached by ClinVar (database versions not stated): ExAC 0.00001; TOPMed 0.00001.
gnomAD v4.1: 63 of 1,602,764 alleles (0.0039%); highest among the groups gnomAD compares: Middle Eastern, 0.05%; no homozygotes.

Submissions (2):

Ambry Genetics
Classification: Uncertain significance. Last evaluated: 2023-01-10. Review status: criteria provided, single submitter. Criteria: Ambry Variant Classification Scheme 2023. Collection method: clinical testing. Allele origin: germline.

Labcorp Genetics (formerly Invitae), Labcorp
Classification: Uncertain significance. Last evaluated: 2022-05-17. Review status: criteria provided, single submitter. Criteria: Invitae Variant Classification Sherloc (09022015). Collection method: clinical testing. Allele origin: germline.
Comment: This sequence change replaces proline, which is neutral and non-polar, with alanine, which is neutral and non-polar, at codon 550 of the SUCO protein (p.Pro550Ala). This variant is present in population databases (rs780542936, gnomAD 0.003%). This variant has not been reported in the literature in individuals affected with SUCO-related conditions. Algorithms developed to predict the effect of missense changes on protein structure and function are either unavailable or do not agree on the potential impact of this missense change (SIFT: "Deleterious"; PolyPhen-2: "Benign"; Align-GVGD: "Class C0"). In summary, the available evidence is currently insufficient to determine the role of this variant in disease. Therefore, it has been classified as a Variant of Uncertain Significance.